The following is an entry in ClinVar:

NM_000051.4(ATM):c.3055C>A (p.Leu1019Ile)

Gene: ATM (ATM serine/threonine kinase; plus strand). Cytogenetic location: 11q22.3.
Variant type: single nucleotide variant.
Coding change: c.3055C>A on transcript NM_000051.4 (MANE Select); coding-DNA position 3055, C replaced by A.
Protein change: p.Leu1019Ile; replaces leucine 1019 with isoleucine.
Molecular consequence: missense variant.
Genome position (GRCh38, 1-based): chr11:108,271,384, C>A. VCF-style: chr11-108271384-C-A. GRCh37 (hg19) VCF-style: chr11-108142111-C-A.
Other names: c.3055C>A, p.Leu1019Ile (NM_001351834.2); short protein forms L1019I.
Identifiers: ClinVar variation 1172012 (VCV001172012.2), dbSNP rs863224560, ClinGen allele CA382547625.

ClinVar aggregate classification (germline): Uncertain significance (1 of 4 stars; one submission).

Conditions:
Hereditary cancer-predisposing syndrome. Also called: Tumor predisposition; Hereditary neoplastic syndrome; Hereditary Cancer Syndrome; Neoplastic Syndromes, Hereditary. Identifiers: Orphanet 140162, MedGen C0027672, MeSH D009386, MONDO:0015356.

Submission:

Color Diagnostics, LLC DBA Color Health
Classification: Uncertain significance for Hereditary cancer-predisposing syndrome. Last evaluated: 2020-09-03. Review status: criteria provided, single submitter. Criteria: ACMG Guidelines, 2015. Collection method: clinical testing. Allele origin: germline.
Comment: This missense variant replaces leucine with isoleucine at codon 1019 of the ATM protein. Computational prediction suggests that this variant may not impact protein structure and function (internally defined REVEL score threshold <= 0.5, PMID: 27666373). To our knowledge, functional studies have not been reported for this variant. This variant has not been reported in individuals affected with hereditary cancer in the literature. This variant has not been identified in the general population by the Genome Aggregation Database (gnomAD). The available evidence is insufficient to determine the role of this variant in disease conclusively. Therefore, this variant is classified as a Variant of Uncertain Significance.